The following is an entry in ClinVar:

NM_001042492.3(NF1):c.3281_3284dup (p.Met1096fs)

Gene: NF1 (neurofibromin 1; plus strand). Cytogenetic location: 17q11.2.
Variant type: Duplication.
Coding change: c.3281_3284dup on transcript NM_001042492.3 (MANE Select); coding-DNA positions 3281 to 3284, 4 bases duplicated (AATT; older notation c.3281_3284dupAATT).
Protein change: p.Met1096fs; shifts the reading frame from methionine 1096.
Molecular consequence: frameshift variant.
Genome position (GRCh38, 1-based): chr17:31,232,156-31,232,159, AATT duplicated. VCF-style (leftmost placement, unchanged base first): chr17-31232155-G-GAATT. GRCh37 (hg19) VCF-style: chr17-29559173-G-GAATT.
Other names: c.3281_3284dup, p.Met1096fs (NM_000267.4); short protein forms M1096fs.
Identifiers: ClinVar variation 4725207 (VCV004725207.1).

ClinVar aggregate classification (germline): Pathogenic (1 of 4 stars; one submission).

Conditions:
Neurofibromatosis, type 1 (NF1). Also called: NEUROFIBROMATOSIS, TYPE I, SOMATIC; VON RECKLINGHAUSEN DISEASE; Peripheral type neurofibromatosis; Neurofibromatosis, type I. Identifiers: Orphanet 636, MedGen C0027831, MONDO:0018975, OMIM 162200. Disease mechanism: loss of function.

Submission:

Labcorp Genetics (formerly Invitae), Labcorp
Classification: Pathogenic for Neurofibromatosis, type 1. Last evaluated: 2025-08-11. Review status: criteria provided, single submitter. Criteria: Invitae Variant Classification Sherloc (09022015). Collection method: clinical testing. Allele origin: germline.
Comment: This sequence change creates a premature translational stop signal (p.Met1096Ilefs*11) in the NF1 gene. It is expected to result in an absent or disrupted protein product. Loss-of-function variants in NF1 are known to be pathogenic (PMID: 10712197, 23913538). This variant is not present in population databases (gnomAD no frequency). This variant has not been reported in the literature in individuals affected with NF1-related conditions. For these reasons, this variant has been classified as Pathogenic.

Literature cited by the submitters: PubMed 10712197; PubMed 23913538.